The following is an entry in ClinVar:

NM_000038.6(APC):c.2726C>T (p.Thr909Ile)

Gene: APC (APC regulator of Wnt signaling pathway; plus strand). Cytogenetic location: 5q22.2.
Variant type: single nucleotide variant.
Coding change: c.2726C>T on transcript NM_000038.6 (MANE Select); coding-DNA position 2726, C replaced by T.
Protein change: p.Thr909Ile; replaces threonine 909 with isoleucine.
Molecular consequence: missense variant.
Genome position (GRCh38, 1-based): chr5:112,838,320, C>T. VCF-style: chr5-112838320-C-T. GRCh37 (hg19) VCF-style: chr5-112174017-C-T.
Other names: c.2726C>T, p.Thr909Ile (NM_001127510.3, NM_001354895.2); c.2672C>T, p.Thr891Ile (NM_001127511.3); c.2780C>T, p.Thr927Ile (NM_001354896.2); c.2756C>T, p.Thr919Ile (NM_001354897.2); c.2651C>T, p.Thr884Ile (NM_001354898.2); c.2642C>T, p.Thr881Ile (NM_001354899.2); c.2603C>T, p.Thr868Ile (NM_001354900.2); c.2549C>T, p.Thr850Ile (NM_001354901.2); and 5 more; short protein forms T818I, T881I, T891I, T927I, T783I, T850I, T868I, T909I.
Identifiers: ClinVar variation 1428671 (VCV001428671.8), dbSNP rs1425442729, ClinGen allele CA16027279.
Genomic context (GRCh38, chr5:112,838,320, plus strand): 5'-AAGTCATGGAAGAAGTGTCAGCCATTCATACCTCTCAGGAAGACAGAAGTTCTGGGTCTA[C>T]CACTGAATTACATTGTGTGACAGATGAGAGAAATGCACTTAGAAGAAGCTCTGCTGCCCA-3'
Protein context (NP_000029.2, residues 899-919): TSQEDRSSGS[Thr909Ile]TELHCVTDER

ClinVar aggregate classification (germline): Uncertain significance (1 of 4 stars; one submission).

Conditions:
Familial adenomatous polyposis 1 (FAP1). Also called: POLYPOSIS, ADENOMATOUS INTESTINAL; FAMILIAL ADENOMATOUS POLYPOSIS 1, ATTENUATED. Identifiers: MedGen C2713442, MONDO:0021056, OMIM 175100. Disease mechanism: loss of function.

Allele frequency attached by ClinVar (database versions not stated): gnomAD exomes below 0.00001.
gnomAD v4.1: 3 of 1,614,164 alleles (0.00019%); highest among the groups gnomAD compares: South Asian, 0.0011%; no homozygotes.

Submission:

Labcorp Genetics (formerly Invitae), Labcorp
Classification: Uncertain significance for Familial adenomatous polyposis 1. Last evaluated: 2021-03-13. Review status: criteria provided, single submitter. Criteria: Invitae Variant Classification Sherloc (09022015). Collection method: clinical testing. Allele origin: germline.
Comment: This sequence change replaces threonine with isoleucine at codon 909 of the APC protein (p.Thr909Ile). The threonine residue is highly conserved and there is a moderate physicochemical difference between threonine and isoleucine. This variant is not present in population databases (ExAC no frequency). In summary, the available evidence is currently insufficient to determine the role of this variant in disease. Therefore, it has been classified as a Variant of Uncertain Significance. Algorithms developed to predict the effect of missense changes on protein structure and function are either unavailable or do not agree on the potential impact of this missense change (SIFT: "Deleterious"; PolyPhen-2: "Benign"; Align-GVGD: "Class C0"). This variant has not been reported in the literature in individuals with APC-related conditions.